The following is an entry in ClinVar:

NM_020937.4(FANCM):c.509G>A (p.Gly170Glu)

Gene: FANCM (FA complementation group M; plus strand). Cytogenetic location: 14q21.2.
Variant type: single nucleotide variant.
Coding change: c.509G>A on transcript NM_020937.4 (MANE Select); coding-DNA position 509, G replaced by A.
Protein change: p.Gly170Glu; replaces glycine 170 with glutamic acid.
Molecular consequence: missense variant.
Genome position (GRCh38, 1-based): chr14:45,137,069, G>A. VCF-style: chr14-45137069-G-A. GRCh37 (hg19) VCF-style: chr14-45606272-G-A.
Other names: c.509G>A, p.Gly170Glu (NM_001308133.2, NM_001308134.2); short protein forms G170E.
Identifiers: ClinVar variation 4871066 (VCV004871066.1).

ClinVar aggregate classification (germline): Uncertain significance (1 of 4 stars; one submission).

Conditions:
Inborn genetic diseases. Identifiers: MedGen C0950123, MeSH D030342.

Submission:

Ambry Genetics
Classification: Uncertain significance for Inborn genetic diseases. Last evaluated: 2026-04-05. Review status: criteria provided, single submitter. Criteria: Ambry Variant Classification Scheme 2023. Collection method: clinical testing. Allele origin: germline.
Comment: The p.G170E variant (also known as c.509G>A) is located in coding exon 2 of the FANCM gene. The glycine at codon 170 is replaced by glutamic acid, an amino acid with similar properties. This change occurs in the first base pair of coding exon 2. This amino acid position is conserved. In addition, the in silico prediction for this alteration is inconclusive. Based on the available evidence, the clinical significance of this variant remains unclear.